The following is an entry in ClinVar:

ClinVar aggregate classification (germline): Pathogenic. Review status: criteria provided, single submitter (1 of 4 stars). 2 submissions from 2 submitters: Pathogenic (1). 1 of the submissions does not count toward it. Last evaluated 2023-07-18.

Conditions:
Salla disease (SD). Also called: Sialuria, Finnish type; N-acetylneuraminic acid (NANA) storage disease (NSD); Infantile sialic acid storage disorder (ISSD); Less Severe FSASD (Salla Disease). Identifiers: Orphanet 309334, Orphanet 834, MedGen C1096903, MONDO:0011449, OMIM 604369.

Submissions (2):

Labcorp Genetics (formerly Invitae), Labcorp
Classification: Pathogenic for Salla disease. Last evaluated: 2023-07-18. Review status: criteria provided, single submitter. Criteria: Invitae Variant Classification Sherloc (09022015). Collection method: clinical testing. Allele origin: germline.
Comment: This sequence change creates a premature translational stop signal (p.Trp303*) in the SLC17A5 gene. It is expected to result in an absent or disrupted protein product. Loss-of-function variants in SLC17A5 are known to be pathogenic (PMID: 10581036, 10947946, 15172001). This variant is not present in population databases (gnomAD no frequency). This premature translational stop signal has been observed in individual(s) with lysosomal storage disease (PMID: 29654786). ClinVar contains an entry for this variant (Variation ID: 370579). Algorithms developed to predict the effect of sequence changes on RNA splicing suggest that this variant may disrupt the consensus splice site. For these reasons, this variant has been classified as Pathogenic.

Counsyl
Classification: Likely pathogenic for Salla disease. Last evaluated: 2016-03-01. Review status: no assertion criteria provided. Collection method: clinical testing. Allele origin: unknown. Not counted in ClinVar's aggregate classification.

Literature cited by the submitters: PubMed 10581036 (cited by Labcorp Genetics (formerly Invitae), Labcorp); PubMed 10947946 (cited by Labcorp Genetics (formerly Invitae), Labcorp); PubMed 15172001 (cited by Labcorp Genetics (formerly Invitae), Labcorp); PubMed 29654786 (cited by Labcorp Genetics (formerly Invitae), Labcorp).

NM_012434.5(SLC17A5):c.909G>A (p.Trp303Ter)

Gene: SLC17A5 (solute carrier family 17 member 5; minus strand). Cytogenetic location: 6q13.
Variant type: single nucleotide variant.
Coding change: c.909G>A on transcript NM_012434.5 (MANE Select); coding-DNA position 909, G replaced by A.
Protein change: p.Trp303Ter; replaces tryptophan 303 with a stop codon.
Molecular consequence: nonsense.
Genome position (GRCh38, 1-based): chr6:73,621,873, C>T on the plus strand (G>A on the coding strand, the complement: SLC17A5 is on the minus strand). VCF-style: chr6-73621873-C-T. GRCh37 (hg19) VCF-style: chr6-74331596-C-T.
Other names: short protein forms W303*.
Identifiers: ClinVar variation 370579 (VCV000370579.6), dbSNP rs1057516601, ClinGen allele CA16041081.